The following is an entry in ClinVar:

ClinVar aggregate classification (germline): Likely pathogenic (1 of 4 stars; one submission).

Conditions:
Autism, susceptiblity to. Also called: Austism, susceptibility to. Identifiers: MedGen CN301178, MONDO:0020836.

Allele frequency attached by ClinVar (database versions not stated): gnomAD exomes 0.00003; TOPMed 0.00003; gnomAD 0.00004; ExAC 0.00005; 1000 Genomes Project 30x 0.00016; 1000 Genomes Project 0.00020.
gnomAD v4.1: 58 of 1,608,930 alleles (0.0036%); highest among the groups gnomAD compares: African/African-American, 0.0053%; no homozygotes.

Submission:

Qatar Biomedical Research Institute, Hamad Bin Khalifa University
Classification: Likely pathogenic for Autism, susceptiblity to. Last evaluated: 2022-07-01. Review status: criteria provided, single submitter. Criteria: ACMG Guidelines, 2015. Collection method: research. Allele origin: inherited. Inheritance: Autosomal recessive inheritance. Affected: yes. Observed: 1 homozygote.
Comment: This variant was found in large sequencing databases with low frequency .0046% (Eur) and with 0.13 % frequency in Qatar population database. ACMG interpretation as PS4, PM2, PM3, PP3 indicated it as likely pathogenic variant. By protein structural modeling , severe steric hindrance was detected in SCFD2-P383L variant leading to impaired protein folding, and structural instability. In summary, the p.P383L variant in SCFD2 meets our criteria to be classified as likely pathogenic due to being homozygous recessive, in low frequency in controls, high CADD score, structural modeling and ACMG interpretation.

NM_152540.4(SCFD2):c.1148C>T (p.Pro383Leu)

Gene: SCFD2 (sec1 family domain containing 2; minus strand). Cytogenetic location: 4q12.
Variant type: single nucleotide variant.
Coding change: c.1148C>T on transcript NM_152540.4 (MANE Select); coding-DNA position 1148, C replaced by T.
Protein change: p.Pro383Leu; replaces proline 383 with leucine.
Molecular consequence: missense variant.
Genome position (GRCh38, 1-based): chr4:53,273,989, G>A on the plus strand (C>T on the coding strand, the complement: SCFD2 is on the minus strand). VCF-style: chr4-53273989-G-A. GRCh37 (hg19) VCF-style: chr4-54140156-G-A.
Other names: short protein forms P383L.
Identifiers: ClinVar variation 2571617 (VCV002571617.2), dbSNP rs192499281, ClinGen allele CA2920128.